The following is an entry in ClinVar:

NM_024408.4(NOTCH2):c.4261C>T (p.Pro1421Ser)

Gene: NOTCH2 (notch receptor 2; minus strand). Cytogenetic location: 1p12.
Variant type: single nucleotide variant.
Coding change: c.4261C>T on transcript NM_024408.4 (MANE Select); coding-DNA position 4261, C replaced by T.
Protein change: p.Pro1421Ser; replaces proline 1421 with serine.
Molecular consequence: missense variant.
Genome position (GRCh38, 1-based): chr1:119,925,555, G>A on the plus strand (C>T on the coding strand, the complement: NOTCH2 is on the minus strand). VCF-style: chr1-119925555-G-A. GRCh37 (hg19) VCF-style: chr1-120468178-G-A.
Other names: short protein forms P1421S.
Identifiers: ClinVar variation 5002451 (VCV005002451.1).

ClinVar aggregate classification (germline): Uncertain significance (1 of 4 stars; one submission).

Conditions:
NOTCH2-related disorder. Also called: NOTCH2-related condition.

gnomAD v4.1: 1 of 1,614,162 alleles (0.000062%); highest among the groups gnomAD compares: Non-Finnish European, 0.000085%; no homozygotes.

Submission:

PreventionGenetics, part of Exact Sciences
Classification: Uncertain significance for NOTCH2-related condition. Last evaluated: 2025-07-12. Review status: criteria provided, single submitter. Criteria: ACMG Guidelines, 2015. Collection method: clinical testing. Allele origin: germline.
Comment: The NOTCH2 c.4261C>T variant is predicted to result in the amino acid substitution p.Pro1421Ser. To our knowledge, this variant has not been reported in the literature or in a large population database (gnomAD), indicating this variant is rare. At this time, the clinical significance of this variant is uncertain due to the absence of conclusive functional and genetic evidence.